The following is an entry in ClinVar:

ClinVar aggregate classification (germline): Uncertain significance (1 of 4 stars; one submission).

Conditions:
Autosomal recessive spinocerebellar ataxia 12. Also called: SPINOCEREBELLAR ATAXIA WITH MENTAL RETARDATION AND EPILEPSY. Identifiers: Orphanet 284282, MedGen C3280452, MONDO:0013687, OMIM 614322.
Developmental and epileptic encephalopathy, 1 (DEE1). Also called: X-linked infantile spasms; West's syndrome; Tonic spasms with clustering, arrest of psychomotor development and hypsarrhythmia on EEG; X-Linked Infantile Spasm Syndrome; OHTAHARA SYNDROME, X-LINKED; Epileptic encephalopathy, early infantile, 1. Identifiers: MedGen C3463992, MONDO:0010632, OMIM 308350. Disease mechanism: loss of function.

gnomAD v4.1: 1 of 1,614,230 alleles (0.000062%); highest among the groups gnomAD compares: Admixed American, 0.0017%; no homozygotes.

Submission:

Labcorp Genetics (formerly Invitae), Labcorp
Classification: Uncertain significance for Developmental and epileptic encephalopathy, 1; Autosomal recessive spinocerebellar ataxia 12. Last evaluated: 2022-09-01. Review status: criteria provided, single submitter. Criteria: Invitae Variant Classification Sherloc (09022015). Collection method: clinical testing. Allele origin: germline.
Comment: This sequence change replaces valine, which is neutral and non-polar, with leucine, which is neutral and non-polar, at codon 126 of the WWOX protein (p.Val126Leu). This variant is not present in population databases (gnomAD no frequency). This variant has not been reported in the literature in individuals affected with WWOX-related conditions. ClinVar contains an entry for this variant (Variation ID: 1383053). Algorithms developed to predict the effect of missense changes on protein structure and function are either unavailable or do not agree on the potential impact of this missense change (SIFT: "Not Available"; PolyPhen-2: "Benign"; Align-GVGD: "Not Available"). In summary, the available evidence is currently insufficient to determine the role of this variant in disease. Therefore, it has been classified as a Variant of Uncertain Significance.

NM_016373.4(WWOX):c.376G>C (p.Val126Leu)

Gene: WWOX (WW domain containing oxidoreductase; plus strand). Cytogenetic location: 16q23.1.
Variant type: single nucleotide variant.
Coding change: c.376G>C on transcript NM_016373.4 (MANE Select); coding-DNA position 376, G replaced by C.
Protein change: p.Val126Leu; replaces valine 126 with leucine.
Molecular consequence: missense variant. On other transcripts: non-coding transcript variant (1).
Genome position (GRCh38, 1-based): chr16:78,115,121, G>C. VCF-style: chr16-78115121-G-C. GRCh37 (hg19) VCF-style: chr16-78149018-G-C.
Other names: c.37G>C, p.Val13Leu (NM_001291997.2); c.376G>C, p.Val126Leu (NM_130791.5); short protein forms V13L, V126L.
Identifiers: ClinVar variation 1383053 (VCV001383053.3), dbSNP rs2151674893, ClinGen allele CA396842578.